The following is an entry in ClinVar:

ClinVar aggregate classification (germline): Uncertain significance (1 of 4 stars; one submission).

Allele frequency attached by ClinVar (database versions not stated): TOPMed below 0.00001; gnomAD 0.00001.

Submission:

Labcorp Genetics (formerly Invitae), Labcorp
Classification: Uncertain significance. Last evaluated: 2025-06-09. Review status: criteria provided, single submitter. Criteria: Invitae Variant Classification Sherloc (09022015). Collection method: clinical testing. Allele origin: germline.
Comment: This sequence change replaces alanine, which is neutral and non-polar, with valine, which is neutral and non-polar, at codon 160 of the RPSA protein (p.Ala160Val). This variant is not present in population databases (gnomAD no frequency). This variant has not been reported in the literature in individuals affected with RPSA-related conditions. ClinVar contains an entry for this variant (Variation ID: 1412193). Invitae Evidence Modeling of protein sequence and biophysical properties (such as structural, functional, and spatial information, amino acid conservation, physicochemical variation, residue mobility, and thermodynamic stability) indicates that this missense variant is not expected to disrupt RPSA protein function with a negative predictive value of 80%. In summary, the available evidence is currently insufficient to determine the role of this variant in disease. Therefore, it has been classified as a Variant of Uncertain Significance.

NM_002295.6(RPSA):c.479C>T (p.Ala160Val)

Gene: RPSA (ribosomal protein SA; plus strand). Cytogenetic location: 3p22.1.
Variant type: single nucleotide variant.
Coding change: c.479C>T on transcript NM_002295.6 (MANE Select); coding-DNA position 479, C replaced by T.
Protein change: p.Ala160Val; replaces alanine 160 with valine.
Molecular consequence: missense variant.
Genome position (GRCh38, 1-based): chr3:39,410,980, C>T. VCF-style: chr3-39410980-C-T. GRCh37 (hg19) VCF-style: chr3-39452471-C-T.
Other names: c.494C>T, p.Ala165Val (NM_001304288.2); short protein forms A160V, A165V.
Identifiers: ClinVar variation 1412193 (VCV001412193.6), dbSNP rs1161964123, ClinGen allele CA352213496.